The following is an entry in ClinVar:

NM_001352754.2(ARMC9):c.2427C>A (p.Gly809=)

Gene: ARMC9 (armadillo repeat containing 9; plus strand). Cytogenetic location: 2q37.1.
Variant type: single nucleotide variant.
Coding change: c.2427C>A on transcript NM_001352754.2 (MANE Select); coding-DNA position 2427, C replaced by A.
Protein change: p.Gly809=; no amino-acid change (glycine 809 retained).
Molecular consequence: synonymous variant.
Genome position (GRCh38, 1-based): chr2:231,370,118, C>A. VCF-style: chr2-231370118-C-A. GRCh37 (hg19) VCF-style: chr2-232234829-C-A.
Other names: c.2427C>A, p.Gly809= (NM_001271466.4).
Identifiers: ClinVar variation 1924409 (VCV001924409.27), dbSNP rs1402721006, ClinGen allele CA431742773.

ClinVar aggregate classification (germline): Likely benign. Review status: criteria provided, multiple submitters, no conflicts (2 of 4 stars). 2 submissions from 2 submitters: Likely benign (2). Last evaluated 2025-06-02.

Allele frequency attached by ClinVar (database versions not stated): gnomAD exomes 0.00002; TOPMed 0.00002; gnomAD 0.00003.
gnomAD v4.1: 36 of 1,526,166 alleles (0.0024%); highest among the groups gnomAD compares: Non-Finnish European, 0.0032%; no homozygotes.

Submissions (2):

Labcorp Genetics (formerly Invitae), Labcorp
Classification: Likely benign. Last evaluated: 2025-06-02. Review status: criteria provided, single submitter. Criteria: Invitae Variant Classification Sherloc (09022015). Collection method: clinical testing. Allele origin: germline.

CeGaT Center for Human Genetics Tuebingen
Classification: Likely benign. Last evaluated: 2024-02-01. Review status: criteria provided, single submitter. Criteria: CeGaT Center For Human Genetics Tuebingen Variant Classification Criteria Version 2. Collection method: clinical testing. Allele origin: germline. Affected: yes. Observed: 1 variant allele.
Comment: ARMC9: BP4, BP7